The following is an entry in ClinVar:

ClinVar aggregate classification (germline): Pathogenic/Likely pathogenic. Review status: criteria provided, multiple submitters, no conflicts (2 of 4 stars). 3 submissions from 3 submitters: Pathogenic (1); Likely pathogenic (2). Last evaluated 2024-06-10.

Conditions:
EIF2B1-related disorder. Also called: EIF2B1-related condition.
Leukoencephalopathy with vanishing white matter 1 (VWM1). Also called: CHILDHOOD ATAXIA WITH CENTRAL NERVOUS SYSTEM HYPOMYELINIZATION; Vanishing white matter leukodystrophy; EIF2B1-Related Childhood Ataxia with Central Nervous System Hypomyelination/Vanishing White Matter; Cree leukoencephalopathy. Identifiers: Orphanet 99854, MedGen C5779972, MONDO:0020507, OMIM 603896.

Allele frequency attached by ClinVar (database versions not stated): gnomAD exomes 0.00001; TOPMed 0.00001; ExAC 0.00002; gnomAD 0.00002.

Submissions (3):

Blueprint Genetics
Classification: Likely pathogenic for EIF2B1-related disorders. Last evaluated: 2024-06-10. Review status: criteria provided, single submitter. Criteria: ACMG Guidelines, 2015. Collection method: clinical testing. Allele origin: germline. Affected: yes. Observed: 2 variant alleles.

Fulgent Genetics
Classification: Likely pathogenic for Leukoencephalopathy with vanishing white matter 1. Last evaluated: 2024-04-29. Review status: criteria provided, single submitter. Criteria: ACMG Guidelines, 2015. Collection method: clinical testing. Allele origin: germline.

Labcorp Genetics (formerly Invitae), Labcorp
Classification: Pathogenic. Last evaluated: 2023-12-12. Review status: criteria provided, single submitter. Criteria: Invitae Variant Classification Sherloc (09022015). Collection method: clinical testing. Allele origin: germline.
Comment: This sequence change creates a premature translational stop signal (p.Ala260Argfs*23) in the EIF2B1 gene. While this is not anticipated to result in nonsense mediated decay, it is expected to disrupt the last 46 amino acid(s) of the EIF2B1 protein. This variant is present in population databases (rs779473190, gnomAD 0.002%). This variant has not been reported in the literature in individuals affected with EIF2B1-related conditions. Algorithms developed to predict the effect of sequence changes on RNA splicing suggest that this variant may disrupt the consensus splice site. This variant disrupts a region of the EIF2B1 protein in which other variant(s) (p.Tyr275Cys) have been determined to be pathogenic (PMID: 18263758, 26285592, 32865661, 33334879, 34663487). This suggests that this is a clinically significant region of the protein, and that variants that disrupt it are likely to be disease-causing. For these reasons, this variant has been classified as Pathogenic.

Literature cited by the submitters: PubMed 18263758 (cited by Labcorp Genetics (formerly Invitae), Labcorp); PubMed 26285592 (cited by Labcorp Genetics (formerly Invitae), Labcorp); PubMed 32865661 (cited by Labcorp Genetics (formerly Invitae), Labcorp); PubMed 33334879 (cited by Labcorp Genetics (formerly Invitae), Labcorp); PubMed 34663487 (cited by Labcorp Genetics (formerly Invitae), Labcorp).

NM_001414.4(EIF2B1):c.773_777dup (p.Ala260fs)

Genes: EIF2B1 (eukaryotic translation initiation factor 2B subunit alpha; minus strand), LOC126861664 (CDK7 strongly-dependent group 2 enhancer GRCh37_chr12:124105924-124107123; plus strand). Cytogenetic location: 12q24.31.
Variant type: Duplication.
Coding change: c.773_777dup on transcript NM_001414.4 (MANE Select); coding-DNA positions 773 to 777, 5 bases duplicated (AGGTC; older notation c.773_777dupAGGTC).
Protein change: p.Ala260fs; shifts the reading frame from alanine 260.
Molecular consequence: frameshift variant.
Genome position (GRCh38, 1-based): chr12:123,621,897-123,621,901, GACCT duplicated on the plus strand (AGGTC on the coding strand, the reverse complement: EIF2B1 is on the minus strand). VCF-style (leftmost placement, unchanged base first): chr12-123621896-C-CGACCT. GRCh37 (hg19) VCF-style: chr12-124106443-C-CGACCT.
Other names: short protein forms A260fs.
Identifiers: ClinVar variation 2891124 (VCV002891124.5), dbSNP rs779473190, ClinGen allele CA6859950.